The following is an entry in ClinVar:

ClinVar aggregate classification (germline): Uncertain significance (1 of 4 stars; one submission).

Conditions:
Kabuki syndrome 2 (KABUK2). Also called: KDM6A-Related Kabuki Syndrome. Identifiers: Orphanet 2322, MedGen C3275495, MONDO:0010465, OMIM 300867.

gnomAD v4.1: 10 of 1,207,560 alleles (0.00083%); highest among the groups gnomAD compares: Non-Finnish European, 0.0011%; no homozygotes.

Submission:

Labcorp Genetics (formerly Invitae), Labcorp
Classification: Uncertain significance for Kabuki syndrome 2. Last evaluated: 2024-02-10. Review status: criteria provided, single submitter. Criteria: Invitae Variant Classification Sherloc (09022015). Collection method: clinical testing. Allele origin: germline.
Comment: This sequence change replaces alanine, which is neutral and non-polar, with serine, which is neutral and polar, at codon 614 of the KDM6A protein (p.Ala614Ser). This variant is not present in population databases (gnomAD no frequency). This variant has not been reported in the literature in individuals affected with KDM6A-related conditions. ClinVar contains an entry for this variant (Variation ID: 2097082). Advanced modeling of protein sequence and biophysical properties (such as structural, functional, and spatial information, amino acid conservation, physicochemical variation, residue mobility, and thermodynamic stability) performed at Invitae indicates that this missense variant is not expected to disrupt KDM6A protein function with a negative predictive value of 80%. In summary, the available evidence is currently insufficient to determine the role of this variant in disease. Therefore, it has been classified as a Variant of Uncertain Significance.

NM_001291415.2(KDM6A):c.1996G>T (p.Ala666Ser)

Gene: KDM6A (lysine demethylase 6A; plus strand). Cytogenetic location: Xp11.3.
Variant type: single nucleotide variant.
Coding change: c.1996G>T on transcript NM_001291415.2 (MANE Select); coding-DNA position 1996, G replaced by T.
Protein change: p.Ala666Ser; replaces alanine 666 with serine.
Molecular consequence: missense variant. On other transcripts: non-coding transcript variant (1).
Genome position (GRCh38, 1-based): chrX:45,063,734, G>T. VCF-style: chrX-45063734-G-T. GRCh37 (hg19) VCF-style: chrX-44922979-G-T.
Other names: c.1861G>T, p.Ala621Ser (NM_001291416.2); c.1705G>T, p.Ala569Ser (NM_001291417.2); c.1603G>T, p.Ala535Ser (NM_001291418.2); c.952G>T, p.Ala318Ser (NM_001291421.2); c.1738G>T, p.Ala580Ser (NM_001410742.1); c.1840G>T, p.Ala614Ser (NM_021140.4); short protein forms A569S, A580S, A614S, A318S, A535S, A621S, A666S.
Identifiers: ClinVar variation 2097082 (VCV002097082.4), dbSNP rs931403834, ClinGen allele CA412790462.
Genomic context (GRCh38, chrX:45,063,734, plus strand): 5'-GGCAATAATCATATAACAGGAAGTGGAAGTAATGGAAACGTGCCTTACCTGCAGCGAAAC[G>T]CACTCACTCTACCTCATAACCGCACAAACCTGACCAGCAGCGCAGAGGAGCCGTGGAAAA-3'
Protein context (NP_001278344.1, residues 656-676): NGNVPYLQRN[Ala666Ser]LTLPHNRTNL